The following is an entry in ClinVar:

NM_205836.3(FBXO38):c.3547G>A (p.Val1183Ile)

Gene: FBXO38 (F-box protein 38; plus strand). Cytogenetic location: 5q32.
Variant type: single nucleotide variant.
Coding change: c.3547G>A on transcript NM_205836.3 (MANE Select); coding-DNA position 3547, G replaced by A.
Protein change: p.Val1183Ile; replaces valine 1183 with isoleucine.
Molecular consequence: missense variant.
Genome position (GRCh38, 1-based): chr5:148,442,127, G>A. VCF-style: chr5-148442127-G-A. GRCh37 (hg19) VCF-style: chr5-147821690-G-A.
Other names: c.2812G>A, p.Val938Ile (NM_001271723.2); c.3322G>A, p.Val1108Ile (NM_030793.5); short protein forms V938I, V1108I, V1183I.
Identifiers: ClinVar variation 473959 (VCV000473959.39), dbSNP rs143682696, ClinGen allele CA3497763.

ClinVar aggregate classification (germline): Likely benign. Review status: criteria provided, multiple submitters, no conflicts (2 of 4 stars). 4 submissions from 4 submitters: Likely benign (4). Last evaluated 2025-12-29.

Conditions:
Distal hereditary motor neuropathy type 2. Identifiers: Orphanet 139525, MedGen C3711384, MeSH C580044, MONDO:0015352.
FBXO38-related disorder. Also called: FBXO38-related condition.

Allele frequency attached by ClinVar (database versions not stated): 1000 Genomes Project 30x 0.00016; 1000 Genomes Project 0.00020; ESP Exome Variant Server 0.00054; gnomAD exomes 0.00060 and 0.00061; ExAC 0.00077; TOPMed 0.00082; gnomAD 0.00083 and 0.00091.
gnomAD v4.1: 989 of 1,613,944 alleles (0.061%); highest among the groups gnomAD compares: Non-Finnish European, 0.068%; no homozygotes.

Submissions (4):

Labcorp Genetics (formerly Invitae), Labcorp
Classification: Likely benign for Distal hereditary motor neuropathy type 2. Last evaluated: 2025-12-29. Review status: criteria provided, single submitter. Criteria: Invitae Variant Classification Sherloc (09022015). Collection method: clinical testing. Allele origin: germline.

PreventionGenetics, part of Exact Sciences
Classification: Likely benign for FBXO38-related condition. Last evaluated: 2025-01-07. Review status: criteria provided, single submitter. Criteria: ACMG Guidelines, 2015. Collection method: clinical testing. Allele origin: germline.
Comment: This variant is classified as likely benign based on ACMG/AMP sequence variant interpretation guidelines (Richards et al. 2015 PMID: 25741868, with internal and published modifications).

CeGaT Center for Human Genetics Tuebingen
Classification: Likely benign. Last evaluated: 2022-08-01. Review status: criteria provided, single submitter. Criteria: CeGaT Center For Human Genetics Tuebingen Variant Classification Criteria Version 2. Collection method: clinical testing. Allele origin: germline. Affected: yes. Observed: 1 variant allele.
Comment: FBXO38: BS1

Ambry Genetics
Classification: Likely benign. Last evaluated: 2020-07-22. Review status: criteria provided, single submitter. Criteria: Ambry Variant Classification Scheme 2023. Collection method: clinical testing. Allele origin: germline.